The following is an entry in ClinVar:

NM_000179.3(MSH6):c.3714T>A (p.Thr1238=)

Gene: MSH6 (mutS homolog 6; plus strand). Cytogenetic location: 2p16.3.
Variant type: single nucleotide variant.
Coding change: c.3714T>A on transcript NM_000179.3 (MANE Select); coding-DNA position 3714, T replaced by A.
Protein change: p.Thr1238=; no amino-acid change (threonine 1238 retained).
Molecular consequence: synonymous variant.
Genome position (GRCh38, 1-based): chr2:47,806,271, T>A. VCF-style: chr2-47806271-T-A. GRCh37 (hg19) VCF-style: chr2-48033410-T-A.
Other names: c.3324T>A, p.Thr1108= (NM_001281492.2); c.2808T>A, p.Thr936= (NM_001281493.2, NM_001281494.2).
Identifiers: ClinVar variation 824113 (VCV000824113.14), dbSNP rs779615974, ClinGen allele CA425997963.

ClinVar aggregate classification (germline): Benign/Likely benign. Review status: criteria provided, multiple submitters, no conflicts (2 of 4 stars). 3 submissions from 3 submitters: Benign (1); Likely benign (2). Last evaluated 2025-10-23.

Conditions:
Lynch syndrome 5 (LYNCH5). Also called: Colorectal cancer, hereditary nonpolyposis, type 5; Hereditary non-polyposis colorectal cancer, type 5. Identifiers: Orphanet 144, MedGen C1833477, MONDO:0013710, OMIM 614350. Disease mechanism: loss of function.
Hereditary cancer-predisposing syndrome. Also called: Neoplastic Syndromes, Hereditary; Tumor predisposition; Hereditary neoplastic syndrome; Hereditary Cancer Syndrome. Identifiers: Orphanet 140162, MedGen C0027672, MeSH D009386, MONDO:0015356.
Hereditary nonpolyposis colorectal neoplasms. Identifiers: MedGen C0009405, MeSH D003123.

Submissions (3):

Labcorp Genetics (formerly Invitae), Labcorp
Classification: Likely benign for Hereditary nonpolyposis colorectal neoplasms. Last evaluated: 2025-10-23. Review status: criteria provided, single submitter. Criteria: Invitae Variant Classification Sherloc (09022015). Collection method: clinical testing. Allele origin: germline.

Myriad Genetics, Inc.
Classification: Benign for Lynch syndrome 5. Last evaluated: 2025-01-07. Review status: criteria provided, single submitter. Criteria: Myriad Autosomal Dominant, Autosomal Recessive and X-Linked Classification Criteria (2023). Collection method: clinical testing. Allele origin: unknown.
Comment: This variant is considered benign. This variant is a silent/synonymous amino acid change and it is not expected to impact splicing.

Ambry Genetics
Classification: Likely benign for Hereditary cancer-predisposing syndrome. Last evaluated: 2018-11-21. Review status: criteria provided, single submitter. Criteria: Ambry Variant Classification Scheme 2023. Collection method: clinical testing. Allele origin: germline.